The following is an entry in ClinVar:

NM_139058.3(ARX):c.989G>A (p.Arg330His)

Gene: ARX (aristaless related homeobox; minus strand). Cytogenetic location: Xp21.3.
Variant type: single nucleotide variant.
Coding change: c.989G>A on transcript NM_139058.3 (MANE Select); coding-DNA position 989, G replaced by A.
Protein change: p.Arg330His; replaces arginine 330 with histidine.
Molecular consequence: missense variant.
Genome position (GRCh38, 1-based): chrX:25,013,006, C>T on the plus strand (G>A on the coding strand, the complement: ARX is on the minus strand). VCF-style: chrX-25013006-C-T. GRCh37 (hg19) VCF-style: chrX-25031123-C-T.
Other names: short protein forms R330H.
Identifiers: ClinVar variation 265040 (VCV000265040.3), dbSNP rs886039308, ClinGen allele CA10588763.
Genomic context (GRCh38, chrX:25,013,006, plus strand): 5'-GTCTTCTGGAAGGCCCGCTCCAGTTCCTCCAGCTGGTAGCTGGTGAACGTGGTGCGGTAG[C>T]GCCTCTGTTTGCGTTTCAGCAGCCCCTCCTCCGAGTCGCTGCCCGCAGAGAGGCACACGC-3'
Protein context (NP_620689.1, residues 320-340): EEGLLKRKQR[Arg330His]YRTTFTSYQL

ClinVar aggregate classification (germline): Likely pathogenic. Review status: criteria provided, multiple submitters, no conflicts (2 of 4 stars). 3 submissions from 3 submitters: Likely pathogenic (3). Last evaluated 2023-11-16.

Conditions:
ARX-related disorder. Also called: ARX-related condition; ARX-Related Disorders. Identifiers: MedGen CN378769.
Developmental and epileptic encephalopathy, 1 (DEE1). Also called: X-linked infantile spasms; West's syndrome; Tonic spasms with clustering, arrest of psychomotor development and hypsarrhythmia on EEG; X-Linked Infantile Spasm Syndrome; OHTAHARA SYNDROME, X-LINKED; INFANTILE SPASM SYNDROME, X-LINKED 1. Identifiers: MedGen C3463992, MONDO:0010632, OMIM 308350. Disease mechanism: loss of function.

Submissions (3):

Blueprint Genetics
Classification: Likely pathogenic for ARX-related disorders. Last evaluated: 2023-11-16. Review status: criteria provided, single submitter. Criteria: ACMG Guidelines, 2015. Collection method: clinical testing. Allele origin: germline. Affected: yes. Observed: 1 variant allele.

Institute of Human Genetics, University of Leipzig Medical Center
Classification: Likely pathogenic for Developmental and epileptic encephalopathy, 1. Last evaluated: 2017-09-12. Review status: criteria provided, single submitter. Criteria: ACMG Guidelines, 2015. Collection method: clinical testing. Allele origin: germline. Affected: yes. Observed: 1 variant allele.
Comment: This variant was identified as hemizygous

GeneDx
Classification: Likely pathogenic. Last evaluated: 2017-02-02. Review status: criteria provided, single submitter. Criteria: GeneDx Variant Classification (06012015). Collection method: clinical testing. Allele origin: germline. Affected: yes.
Comment: A R330H variant that is likely pathogenic has been identified in the ARX gene. The R330H variant has not been published as a pathogenic variant, nor has it been reported as a benign variant to our knowledge. It was not observed in approximately 6,500 individuals of European and African American ancestry in the NHLBI Exome Sequencing Project, indicating it is not a common benign variant in these populations. This substitution occurs at a position that is conserved across species and in silico analysis predicts this variant is probably damaging to the protein structure/function. Missense variants in nearby residues (R332C, R332H, R332P, T333S, T333N) have been reported in the Human Gene Mutation Database in association with ARX-related disorders (Stenson et al., 2014), supporting the functional importance of this region of the protein. However, the R330H variant is a conservative amino acid substitution, which is not likely to impact secondary protein structure as these residues share similar properties. Therefore, this variant is likely pathogenic; however, the possibility that it is benign cannot be excluded.